The following is an entry in ClinVar:

ClinVar aggregate classification (germline): Conflicting classifications of pathogenicity. Review status: criteria provided, conflicting classifications (1 of 4 stars). 3 submissions from 3 submitters: Uncertain significance (1); Likely benign (2). Last evaluated 2025-01-27.

Conditions:
Cardiovascular phenotype. Identifiers: MedGen CN230736.
Ehlers-Danlos syndrome (EDS). Identifiers: Orphanet 98249, MedGen C0013720, MONDO:0020066.

Allele frequency attached by ClinVar (database versions not stated): TOPMed 0.00001; gnomAD 0.00001.
gnomAD v4.1: 23 of 1,556,774 alleles (0.0015%); highest among the groups gnomAD compares: Non-Finnish European, 0.0019%; no homozygotes.

Submissions (3):

Mayo Clinic Laboratories, Mayo Clinic
Classification: Likely benign. Last evaluated: 2025-01-27. Review status: criteria provided, single submitter. Criteria: ACMG Guidelines, 2015. Collection method: clinical testing. Allele origin: germline. Observed: 1 variant allele.
Comment: BP4, BP7, PM2_supporting

Genome Diagnostics Laboratory, The Hospital for Sick Children
Classification: Uncertain significance for Ehlers-Danlos syndrome. Last evaluated: 2019-06-01. Review status: criteria provided, single submitter. Criteria: ACMG Guidelines, 2015. Collection method: clinical testing. Allele origin: germline.

Ambry Genetics
Classification: Likely benign for Cardiovascular phenotype. Last evaluated: 2019-04-08. Review status: criteria provided, single submitter. Criteria: Ambry Variant Classification Scheme 2023. Collection method: clinical testing. Allele origin: germline.

NM_001365276.2(TNXB):c.1468C>A (p.Arg490=)

Gene: TNXB (tenascin XB; minus strand). Cytogenetic location: 6p21.33.
Variant type: single nucleotide variant.
Coding change: c.1468C>A on transcript NM_001365276.2 (MANE Select); coding-DNA position 1468, C replaced by A.
Protein change: p.Arg490=; no amino-acid change (arginine 490 retained).
Molecular consequence: synonymous variant.
Genome position (GRCh38, 1-based): chr6:32,096,385, G>T on the plus strand (C>A on the coding strand, the complement: TNXB is on the minus strand). VCF-style: chr6-32096385-G-T. GRCh37 (hg19) VCF-style: chr6-32064162-G-T.
Other names: p.Arg490=; c.1468C>A, p.Arg490= (NM_019105.8).
Identifiers: ClinVar variation 1702313 (VCV001702313.6), dbSNP rs763709773, ClinGen allele CA3735676.